The following is an entry in ClinVar:

ClinVar aggregate classification (germline): Uncertain significance. Review status: criteria provided, multiple submitters, no conflicts (2 of 4 stars). 2 submissions from 2 submitters: Uncertain significance (2). Last evaluated 2024-10-04.

Conditions:
Inborn genetic diseases. Identifiers: MedGen C0950123, MeSH D030342.
Baller-Gerold syndrome (BGS). Also called: CRANIOSYNOSTOSIS WITH RADIAL DEFECTS. Identifiers: Orphanet 1225, MedGen C0265308, MONDO:0009039, OMIM 218600.

Allele frequency attached by ClinVar (database versions not stated): gnomAD exomes below 0.00001; ExAC 0.00001; gnomAD 0.00001; TOPMed 0.00001.

Submissions (2):

Ambry Genetics
Classification: Uncertain significance for Inborn genetic diseases. Last evaluated: 2024-10-04. Review status: criteria provided, single submitter. Criteria: Ambry Variant Classification Scheme 2023. Collection method: clinical testing. Allele origin: germline.
Comment: The p.V440I variant (also known as c.1318G>A), located in coding exon 7 of the RECQL4 gene, results from a G to A substitution at nucleotide position 1318. The valine at codon 440 is replaced by isoleucine, an amino acid with highly similar properties. This amino acid position is conserved. In addition, this alteration is predicted to be tolerated by in silico analysis. Based on the available evidence, the clinical significance of this variant remains unclear.

Labcorp Genetics (formerly Invitae), Labcorp
Classification: Uncertain significance for Baller-Gerold syndrome. Last evaluated: 2023-11-14. Review status: criteria provided, single submitter. Criteria: Invitae Variant Classification Sherloc (09022015). Collection method: clinical testing. Allele origin: germline.
Comment: This sequence change replaces valine, which is neutral and non-polar, with isoleucine, which is neutral and non-polar, at codon 440 of the RECQL4 protein (p.Val440Ile). This variant is present in population databases (rs770710973, gnomAD 0.007%). This variant has not been reported in the literature in individuals affected with RECQL4-related conditions. ClinVar contains an entry for this variant (Variation ID: 964639). Advanced modeling of protein sequence and biophysical properties (such as structural, functional, and spatial information, amino acid conservation, physicochemical variation, residue mobility, and thermodynamic stability) performed at Invitae indicates that this missense variant is not expected to disrupt RECQL4 protein function with a negative predictive value of 80%. In summary, the available evidence is currently insufficient to determine the role of this variant in disease. Therefore, it has been classified as a Variant of Uncertain Significance.

NM_004260.4(RECQL4):c.1318G>A (p.Val440Ile)

Gene: RECQL4 (RecQ like helicase 4; minus strand). Cytogenetic location: 8q24.3.
Variant type: single nucleotide variant.
Coding change: c.1318G>A on transcript NM_004260.4 (MANE Select); coding-DNA position 1318, G replaced by A.
Protein change: p.Val440Ile; replaces valine 440 with isoleucine.
Molecular consequence: missense variant.
Genome position (GRCh38, 1-based): chr8:144,515,398, C>T on the plus strand (G>A on the coding strand, the complement: RECQL4 is on the minus strand). VCF-style: chr8-144515398-C-T. GRCh37 (hg19) VCF-style: chr8-145740782-C-T.
Other names: short protein forms V440I.
Identifiers: ClinVar variation 964639 (VCV000964639.7), dbSNP rs770710973, ClinGen allele CA4948914.